The following is an entry in ClinVar:

NM_001377534.1(DYNLT4):c.246C>T (p.Gly82=)

Gene: DYNLT4 (dynein light chain Tctex-type 4; minus strand). Cytogenetic location: 1p34.1.
Variant type: single nucleotide variant.
Coding change: c.246C>T on transcript NM_001377534.1 (MANE Select); coding-DNA position 246, C replaced by T.
Protein change: p.Gly82=; no amino-acid change (glycine 82 retained).
Molecular consequence: synonymous variant.
Genome position (GRCh38, 1-based): chr1:44,806,423, G>A on the plus strand (C>T on the coding strand, the complement: DYNLT4 is on the minus strand). VCF-style: chr1-44806423-G-A. GRCh37 (hg19) VCF-style: chr1-45272095-G-A.
Other names: c.246C>T, p.Gly82= (NM_001013632.4, NM_001377535.1, NM_001377536.1).
Identifiers: ClinVar variation 2638778 (VCV002638778.24), dbSNP rs1652090023, ClinGen allele CA417560800.

ClinVar aggregate classification (germline): Likely benign (1 of 4 stars; one submission).

Allele frequency attached by ClinVar (database versions not stated): TOPMed below 0.00001; gnomAD 0.00001.

Submission:

CeGaT Center for Human Genetics Tuebingen
Classification: Likely benign. Last evaluated: 2022-09-01. Review status: criteria provided, single submitter. Criteria: CeGaT Center For Human Genetics Tuebingen Variant Classification Criteria Version 2. Collection method: clinical testing. Allele origin: germline. Affected: yes. Observed: 1 variant allele.
Comment: DYNLT4: BP4, BP7